The following is an entry in ClinVar:

ClinVar aggregate classification (germline): Pathogenic (1 of 4 stars; one submission).

Conditions:
Autosomal recessive cerebellar ataxia-saccadic intrusion syndrome. Also called: SPINOCEREBELLAR ATAXIA 24; VPS13D Movement Disorder. Identifiers: Orphanet 95434, MedGen C1846492, MONDO:0011811, OMIM 607317.

Submission:

3billion
Classification: Pathogenic for Autosomal recessive cerebellar ataxia-saccadic intrusion syndrome. Last evaluated: 2023-02-23. Review status: criteria provided, single submitter. Criteria: ACMG Guidelines, 2015. Collection method: clinical testing. Allele origin: unknown. Affected: yes.
Comment: The variant is not observed in the gnomAD v2.1.1 dataset. This variant was predicted to alter splicing and result in a loss or disruption of normal protein function. Multiple pathogenic loss-of-function variants are reported downstream of the variant. Therefore, this variant is classified as Likely pathogenic according to the recommendation of ACMG/AMP guideline.

NM_015378.4(VPS13D):c.9871+2T>C

Gene: VPS13D (vacuolar protein sorting 13 homolog D; plus strand). Cytogenetic location: 1p36.22.
Variant type: single nucleotide variant.
Coding change: c.9871+2T>C on transcript NM_015378.4 (MANE Select); the canonical splice donor site of the intron after coding-DNA position 9871, T replaced by C.
Molecular consequence: splice donor variant.
Genome position (GRCh38, 1-based): chr1:12,356,092, T>C. VCF-style: chr1-12356092-T-C. GRCh37 (hg19) VCF-style: chr1-12416149-T-C.
Other names: c.9796+2T>C (NM_018156.4).
Identifiers: ClinVar variation 2444418 (VCV002444418.1), dbSNP rs2524377730, ClinGen allele CA338495448.
Genomic context (GRCh38, chr1:12,356,092, plus strand): 5'-AGCAGAAGGATCCTTAAAGATCTTCATTTCTGCTCCATATTGGCTGATTAACAAAACAGG[T>C]ACATACAGGGGCTGCTCAAGTAGGTCTTTGGCGTTAGTCATGGGAATTCAGATTTATTTG-3'